The following is an entry in ClinVar:

ClinVar aggregate classification (germline): Pathogenic (1 of 4 stars; one submission).

Submission:

Labcorp Genetics (formerly Invitae), Labcorp
Classification: Pathogenic. Last evaluated: 2024-02-02. Review status: criteria provided, single submitter. Criteria: Invitae Variant Classification Sherloc (09022015). Collection method: clinical testing. Allele origin: germline.
Comment: This sequence change results in a frameshift in the AGXT gene (p.Val358Glyfs*55). While this is not anticipated to result in nonsense mediated decay, it is expected to disrupt the last 35 amino acid(s) of the AGXT protein and extend the protein by 19 additional amino acid residues. This variant is not present in population databases (gnomAD no frequency). This variant has not been reported in the literature in individuals affected with AGXT-related conditions. Algorithms developed to predict the effect of sequence changes on RNA splicing suggest that this variant may disrupt the consensus splice site. This variant disrupts a region of the AGXT protein in which other variant(s) (p.Cys387*) have been determined to be pathogenic (PMID: 30488096, 32556641). This suggests that this is a clinically significant region of the protein, and that variants that disrupt it are likely to be disease-causing. For these reasons, this variant has been classified as Pathogenic.

Literature cited by the submitters: PubMed 30488096; PubMed 32556641.

NC_000002.12:g.240878714dup

Gene: AGXT (alanine--glyoxylate aminotransferase; plus strand). Cytogenetic location: 2q37.3.
Variant type: Duplication.
Genome position: GRCh38 VCF-style: chr2-240878712-A-AG. GRCh37 (hg19) VCF-style: chr2-241818129-A-AG.
Identifiers: ClinVar variation 3708685 (VCV003708685.2).